The following is an entry in ClinVar:

ClinVar aggregate classification (germline): Uncertain significance. Review status: criteria provided, multiple submitters, no conflicts (2 of 4 stars). 3 submissions from 3 submitters: Uncertain significance (3). Last evaluated 2025-04-14.

Conditions:
Inborn genetic diseases. Identifiers: MedGen C0950123, MeSH D030342.

Allele frequency attached by ClinVar (database versions not stated): gnomAD exomes 0.00002; gnomAD 0.00004; TOPMed 0.00008; ExAC 0.00010; 1000 Genomes Project 0.00020; 1000 Genomes Project 30x 0.00031.
gnomAD v4.1: 42 of 1,614,104 alleles (0.0026%); highest among the groups gnomAD compares: Admixed American, 0.047%; no homozygotes.

Submissions (3):

GeneDx
Classification: Uncertain significance. Last evaluated: 2025-04-14. Review status: criteria provided, single submitter. Criteria: GeneDx Variant Classification Process June 2021. Collection method: clinical testing. Allele origin: germline. Affected: yes.
Comment: In silico analysis supports that this missense variant has a deleterious effect on protein structure/function; In silico analysis suggests this variant may impact gene splicing. In the absence of RNA/functional studies, the actual effect of this sequence change is unknown.; Has not been previously published as pathogenic or benign to our knowledge

Ambry Genetics
Classification: Uncertain significance for Inborn genetic diseases. Last evaluated: 2025-03-30. Review status: criteria provided, single submitter. Criteria: Ambry Variant Classification Scheme 2023. Collection method: clinical testing. Allele origin: germline.

Labcorp Genetics (formerly Invitae), Labcorp
Classification: Uncertain significance. Last evaluated: 2022-08-21. Review status: criteria provided, single submitter. Criteria: Invitae Variant Classification Sherloc (09022015). Collection method: clinical testing. Allele origin: germline.
Comment: This sequence change replaces leucine, which is neutral and non-polar, with glutamine, which is neutral and polar, at codon 193 of the AIMP1 protein (p.Leu193Gln). This variant is present in population databases (rs528806666, gnomAD 0.06%). This variant has not been reported in the literature in individuals affected with AIMP1-related conditions. Algorithms developed to predict the effect of missense changes on protein structure and function are either unavailable or do not agree on the potential impact of this missense change (SIFT: "Deleterious"; PolyPhen-2: "Probably Damaging"; Align-GVGD: "Class C0"). Algorithms developed to predict the effect of sequence changes on RNA splicing suggest that this variant may create or strengthen a splice site. In summary, the available evidence is currently insufficient to determine the role of this variant in disease. Therefore, it has been classified as a Variant of Uncertain Significance.

NM_001142416.2(AIMP1):c.578T>A (p.Leu193Gln)

Gene: AIMP1 (aminoacyl tRNA synthetase complex interacting multifunctional protein 1; plus strand). Cytogenetic location: 4q24.
Variant type: single nucleotide variant.
Coding change: c.578T>A on transcript NM_001142416.2 (MANE Select); coding-DNA position 578, T replaced by A.
Protein change: p.Leu193Gln; replaces leucine 193 with glutamine.
Molecular consequence: missense variant.
Genome position (GRCh38, 1-based): chr4:106,331,858, T>A. VCF-style: chr4-106331858-T-A. GRCh37 (hg19) VCF-style: chr4-107253015-T-A.
Other names: c.578T>A, p.Leu193Gln (NM_001142415.2, NM_004757.4); short protein forms L193Q.
Identifiers: ClinVar variation 2145571 (VCV002145571.4), dbSNP rs528806666, ClinGen allele CA3035754.